The following is an entry in ClinVar:

ClinVar aggregate classification (germline): Uncertain significance. Review status: criteria provided, multiple submitters, no conflicts (2 of 4 stars). 2 submissions from 2 submitters: Uncertain significance (2). Last evaluated 2025-09-25.

Conditions:
Inborn genetic diseases. Identifiers: MedGen C0950123, MeSH D030342.

Allele frequency attached by ClinVar (database versions not stated): gnomAD exomes below 0.00001.
gnomAD v4.1: 6 of 1,613,386 alleles (0.00037%); highest among the groups gnomAD compares: African/African-American, 0.0013%; no homozygotes.

Submissions (2):

Ambry Genetics
Classification: Uncertain significance for Inborn genetic diseases. Last evaluated: 2025-09-25. Review status: criteria provided, single submitter. Criteria: Ambry Variant Classification Scheme 2023. Collection method: clinical testing. Allele origin: germline.

Labcorp Genetics (formerly Invitae), Labcorp
Classification: Uncertain significance. Last evaluated: 2023-04-11. Review status: criteria provided, single submitter. Criteria: Invitae Variant Classification Sherloc (09022015). Collection method: clinical testing. Allele origin: germline.
Comment: In summary, the available evidence is currently insufficient to determine the role of this variant in disease. Therefore, it has been classified as a Variant of Uncertain Significance. Advanced modeling of protein sequence and biophysical properties (such as structural, functional, and spatial information, amino acid conservation, physicochemical variation, residue mobility, and thermodynamic stability) performed at Invitae indicates that this missense variant is not expected to disrupt ABL1 protein function. This variant has not been reported in the literature in individuals affected with ABL1-related conditions. This variant is not present in population databases (gnomAD no frequency). This sequence change replaces arginine, which is basic and polar, with glycine, which is neutral and non-polar, at codon 790 of the ABL1 protein (p.Arg790Gly).

NM_005157.6(ABL1):c.2311A>G (p.Arg771Gly)

Gene: ABL1 (ABL proto-oncogene 1, non-receptor tyrosine kinase; plus strand). Cytogenetic location: 9q34.12.
Variant type: single nucleotide variant.
Coding change: c.2311A>G on transcript NM_005157.6 (MANE Select); coding-DNA position 2311, A replaced by G.
Protein change: p.Arg771Gly; replaces arginine 771 with glycine.
Molecular consequence: missense variant.
Genome position (GRCh38, 1-based): chr9:130,884,601, A>G. VCF-style: chr9-130884601-A-G. GRCh37 (hg19) VCF-style: chr9-133759988-A-G.
Other names: c.2368A>G (NM_007313.2); c.2368A>G, p.Arg790Gly (NM_007313.3); short protein forms R771G, R790G.
Identifiers: ClinVar variation 2900581 (VCV002900581.4), dbSNP rs894289172, ClinGen allele CA200651905.